The following is an entry in ClinVar:

ClinVar aggregate classification (germline): Pathogenic/Likely pathogenic. Review status: criteria provided, multiple submitters, no conflicts (2 of 4 stars). 2 submissions from 2 submitters: Pathogenic (1); Likely pathogenic (1). Last evaluated 2024-12-30.

Conditions:
Smith-Magenis syndrome (SMS). Also called: CHROMOSOME 17p11.2 DELETION SYNDROME. Identifiers: Orphanet 819, MedGen C0795864, MONDO:0008434, OMIM 182290.
Inborn genetic diseases. Identifiers: MedGen C0950123, MeSH D030342.

Submissions (2):

Ambry Genetics
Classification: Pathogenic for Inborn genetic diseases. Last evaluated: 2024-12-30. Review status: criteria provided, single submitter. Criteria: Ambry Variant Classification Scheme 2023. Collection method: clinical testing. Allele origin: germline.
Comment: The c.2763_2764delAG (p.E923Vfs*20) alteration, located in exon 3 (coding exon 1) of the RAI1 gene, consists of a deletion of 2 nucleotides from position 2763 to 2764, causing a translational frameshift with a predicted alternate stop codon after 20 amino acids. This alteration is expected to result in loss of function by premature protein truncation or nonsense-mediated mRNA decay. This variant was not reported in population-based cohorts in the Genome Aggregation Database (gnomAD). Based on the available evidence, this alteration is classified as pathogenic.

Baylor Genetics
Classification: Likely pathogenic for Smith-Magenis syndrome. Last evaluated: 2024-01-21. Review status: criteria provided, single submitter. Criteria: ACMG Guidelines, 2015. Collection method: clinical testing. Allele origin: unknown.

NM_030665.4(RAI1):c.2763_2764del (p.Glu923fs)

Gene: RAI1 (retinoic acid induced 1; plus strand). Cytogenetic location: 17p11.2.
Variant type: Deletion.
Coding change: c.2763_2764del on transcript NM_030665.4 (MANE Select); coding-DNA positions 2763 to 2764, 2 bases deleted (AG; older notation c.2763_2764delAG).
Protein change: p.Glu923fs; shifts the reading frame from glutamic acid 923.
Molecular consequence: frameshift variant.
Genome position (GRCh38, 1-based): chr17:17,795,711-17,795,712, AG deleted. VCF-style (leftmost placement, unchanged base first): chr17-17795710-CAG-C. GRCh37 (hg19) VCF-style: chr17-17699024-CAG-C.
Other names: short protein forms E923fs.
Identifiers: ClinVar variation 2230823 (VCV002230823.5), dbSNP rs2508583396, ClinGen allele CA2580092749.